The following is an entry in ClinVar:

ClinVar aggregate classification (germline): Pathogenic (1 of 4 stars; one submission).

Submission:

GeneDx
Classification: Pathogenic. Last evaluated: 2025-02-25. Review status: criteria provided, single submitter. Criteria: GeneDx Variant Classification Process June 2021. Collection method: clinical testing. Allele origin: germline. Affected: yes.
Comment: Reported as heterozygous in a patient with semilobar holoprosencephaly, severe microcephaly, hypoplastic left heart, and double outlet right ventricle; the variant was maternally inherited (PMID: 31334757); Canonical splice site variant predicted to result in a null allele in a gene for which loss of function is a known mechanism of disease; Not observed at significant frequency in large population cohorts (gnomAD); This variant is associated with the following publications: (PMID: 31334757, 33057194, 33504798, 35982159, 37010288)

NM_001042750.2(STAG2):c.2533+1G>A

Gene: STAG2 (STAG2 cohesin complex component; plus strand). Cytogenetic location: Xq25.
Variant type: single nucleotide variant.
Coding change: c.2533+1G>A on transcript NM_001042750.2 (MANE Select); the canonical splice donor site of the intron after coding-DNA position 2533, G replaced by A.
Molecular consequence: splice donor variant.
Genome position (GRCh38, 1-based): chrX:124,071,324, G>A. VCF-style: chrX-124071324-G-A. GRCh37 (hg19) VCF-style: chrX-123205174-G-A.
Other names: c.2533+1G>A (NM_001042749.2, NM_001441077.1, NM_001375366.1 and 23 more transcripts).
Identifiers: ClinVar variation 4076576 (VCV004076576.1).
Genomic context (GRCh38, chrX:124,071,324, plus strand): 5'-TGCTCAGCTTTATTTTGGATCATGTCTTCATTGAACAGGATGATGATAATAATAGTGCAG[G>A]TAATTTTATTGCCATCTTTTTATTAAATCTGTGTCCACCATAAAATCAAACTTAAGTAAC-3'